The following is an entry in ClinVar:

NM_000545.8(HNF1A):c.1719C>T (p.Ala573=)

Gene: HNF1A (HNF1 homeobox A; plus strand). Cytogenetic location: 12q24.31.
Variant type: single nucleotide variant.
Coding change: c.1719C>T on transcript NM_000545.8 (MANE Select); coding-DNA position 1719, C replaced by T.
Protein change: p.Ala573=; no amino-acid change (alanine 573 retained).
Molecular consequence: synonymous variant.
Genome position (GRCh38, 1-based): chr12:120,999,578, C>T. VCF-style: chr12-120999578-C-T. GRCh37 (hg19) VCF-style: chr12-121437381-C-T.
Other names: c.1740C>T, p.Ala580= (NM_001306179.2); c.1527C>T, p.Ala509= (NM_001406915.1).
Identifiers: ClinVar variation 2496716 (VCV002496716.10), dbSNP rs142797154, ClinGen allele CA6832157.

ClinVar aggregate classification (germline): Benign/Likely benign. Review status: criteria provided, multiple submitters, no conflicts (2 of 4 stars). 4 submissions from 4 submitters: Benign (1); Likely benign (3). Last evaluated 2025-11-01.

Conditions:
Maturity-onset diabetes of the young (MODY). Also called: Maturity onset diabetes mellitus in young. Identifiers: Orphanet 552, MedGen C0342276, MONDO:0018911, HP:0004904.

Allele frequency attached by ClinVar (database versions not stated): ExAC 0.00014; ESP Exome Variant Server 0.00031; gnomAD 0.00038; TOPMed 0.00046.
gnomAD v4.1: 128 of 1,612,436 alleles (0.0079%); highest among the groups gnomAD compares: African/African-American, 0.14%; 1 homozygote.

Submissions (4):

CeGaT Center for Human Genetics Tuebingen
Classification: Likely benign. Last evaluated: 2025-11-01. Review status: criteria provided, single submitter. Criteria: CeGaT Center For Human Genetics Tuebingen Variant Classification Criteria Version 2. Collection method: clinical testing. Allele origin: germline. Affected: yes. Observed: 1 variant allele.
Comment: HNF1A: BP4, BP7

Blueprint Genetics
Classification: Likely benign. Last evaluated: 2024-09-27. Review status: criteria provided, single submitter. Criteria: ACMG Guidelines, 2015. Collection method: clinical testing. Allele origin: germline.

Athena Diagnostics
Classification: Benign. Last evaluated: 2024-01-03. Review status: criteria provided, single submitter. Criteria: Athena Diagnostics Criteria. Collection method: clinical testing. Allele origin: unknown.

Ambry Genetics
Classification: Likely benign for Maturity-onset diabetes of the young. Last evaluated: 2022-11-15. Review status: criteria provided, single submitter. Criteria: Ambry Variant Classification Scheme 2023. Collection method: clinical testing. Allele origin: germline.